The following is an entry in ClinVar:

ClinVar aggregate classification (germline): Likely benign. Review status: criteria provided, multiple submitters, no conflicts (2 of 4 stars). 5 submissions from 5 submitters: Likely benign (4). 1 of the submissions does not count toward it. Last evaluated 2025-10-26.

Conditions:
SYNJ1-related disorder. Also called: SYNJ1-related condition.
Developmental and epileptic encephalopathy, 53. Also called: Epileptic encephalopathy, early infantile, 53. Identifiers: MedGen C4479313, MONDO:0033362, OMIM 617389.
Early-onset Parkinson disease 20. Also called: PARKINSON DISEASE 20, AUTOSOMAL RECESSIVE EARLY-ONSET. Identifiers: Orphanet 391411, MedGen C3809824, MONDO:0014233, OMIM 615530.

Allele frequency attached by ClinVar (database versions not stated): ExAC 0.00009; gnomAD exomes 0.00009 and 0.00034; gnomAD 0.00014 and 0.00016; TOPMed 0.00015; ESP Exome Variant Server 0.00031.
gnomAD v4.1: 518 of 1,614,066 alleles (0.032%); highest among the groups gnomAD compares: Non-Finnish European, 0.042%; no homozygotes.

Submissions (5):

Labcorp Genetics (formerly Invitae), Labcorp
Classification: Likely benign for Developmental and epileptic encephalopathy, 53; Early-onset Parkinson disease 20. Last evaluated: 2025-10-26. Review status: criteria provided, single submitter. Criteria: Invitae Variant Classification Sherloc (09022015). Collection method: clinical testing. Allele origin: germline.

CeGaT Center for Human Genetics Tuebingen
Classification: Likely benign. Last evaluated: 2024-11-01. Review status: criteria provided, single submitter. Criteria: CeGaT Center For Human Genetics Tuebingen Variant Classification Criteria Version 2. Collection method: clinical testing. Allele origin: germline. Affected: yes. Observed: 1 variant allele.
Comment: SYNJ1: BP4, BP7

Blueprint Genetics
Classification: Likely benign. Last evaluated: 2024-03-05. Review status: criteria provided, single submitter. Criteria: ACMG Guidelines, 2015. Collection method: clinical testing. Allele origin: germline.

Breakthrough Genomics
Classification: Likely benign. Review status: criteria provided, single submitter. Criteria: ACMG Guidelines, 2015. Collection method: not provided. Allele origin: germline. Inheritance: Autosomal recessive inheritance. Affected: yes.

PreventionGenetics, part of Exact Sciences
Classification: Likely benign for SYNJ1-related condition. Last evaluated: 2019-07-24. Review status: no assertion criteria provided. Collection method: clinical testing. Allele origin: germline. Not counted in ClinVar's aggregate classification.
Comment: This variant is classified as likely benign based on ACMG/AMP sequence variant interpretation guidelines (Richards et al. 2015 PMID: 25741868, with internal and published modifications).

NM_203446.3(SYNJ1):c.421T>C (p.Leu141=)

Gene: SYNJ1 (synaptojanin 1; minus strand). Cytogenetic location: 21q22.11.
Variant type: single nucleotide variant.
Coding change: c.421T>C on transcript NM_203446.3 (MANE Select); coding-DNA position 421, T replaced by C.
Protein change: p.Leu141=; no amino-acid change (leucine 141 retained).
Molecular consequence: synonymous variant.
Genome position (GRCh38, 1-based): chr21:32,699,896, A>G on the plus strand (T>C on the coding strand, the complement: SYNJ1 is on the minus strand). VCF-style: chr21-32699896-A-G. GRCh37 (hg19) VCF-style: chr21-34072206-A-G.
Other names: c.421T>C, p.Leu141= (NM_001160302.2, NM_001160306.2); c.538T>C, p.Leu180= (NM_003895.4).
Identifiers: ClinVar variation 478363 (VCV000478363.29), dbSNP rs140461566, ClinGen allele CA10004143.